The following is an entry in ClinVar:

NM_001330260.2(SCN8A):c.1101G>C (p.Met367Ile)

Gene: SCN8A (sodium voltage-gated channel alpha subunit 8; plus strand). Cytogenetic location: 12q13.13.
Variant type: single nucleotide variant.
Coding change: c.1101G>C on transcript NM_001330260.2 (MANE Select); coding-DNA position 1101, G replaced by C.
Protein change: p.Met367Ile; replaces methionine 367 with isoleucine.
Molecular consequence: missense variant.
Genome position (GRCh38, 1-based): chr12:51,702,881, G>C. VCF-style: chr12-51702881-G-C. GRCh37 (hg19) VCF-style: chr12-52096665-G-C.
Other names: c.1101G>C, p.Met367Ile (NM_001177984.3, NM_001369788.1, NM_014191.4); short protein forms M367I.
Identifiers: ClinVar variation 2743423 (VCV002743423.3), dbSNP rs1555219147, ClinGen allele CA385227283.
Genomic context (GRCh38, chr12:51,702,881, plus strand): 5'-CTATGGTTACACAAGTTTTGACACTTTTAGCTGGGCCTTCTTGGCATTATTTCGCCTTAT[G>C]ACCCAGGACTATTGGGAAAACTTGTATCAATTGGTGAGTAATACCTCTTTTCCTTTGGCC-3'
Protein context (NP_001317189.1, residues 357-377): SWAFLALFRL[Met367Ile]TQDYWENLYQ

ClinVar aggregate classification (germline): Likely pathogenic (1 of 4 stars; one submission).

Conditions:
Early-infantile DEE. Also called: Early infantile epileptic encephalopathy with suppression bursts; Early infantile epileptic encephalopathy; Ohtahara syndrome. Identifiers: Orphanet 1934, MedGen C0393706, MONDO:0800491.

Submission:

Labcorp Genetics (formerly Invitae), Labcorp
Classification: Likely pathogenic for Early-infantile DEE. Last evaluated: 2023-07-15. Review status: criteria provided, single submitter. Criteria: Invitae Variant Classification Sherloc (09022015). Collection method: clinical testing. Allele origin: germline.
Comment: In summary, the currently available evidence indicates that the variant is pathogenic, but additional data are needed to prove that conclusively. Therefore, this variant has been classified as Likely Pathogenic. This variant disrupts the p.Met367 amino acid residue in SCN8A. Other variant(s) that disrupt this residue have been determined to be pathogenic (Invitae). This suggests that this residue is clinically significant, and that variants that disrupt this residue are likely to be disease-causing. Advanced modeling of protein sequence and biophysical properties (such as structural, functional, and spatial information, amino acid conservation, physicochemical variation, residue mobility, and thermodynamic stability) performed at Invitae indicates that this missense variant is expected to disrupt SCN8A protein function. This variant has not been reported in the literature in individuals affected with SCN8A-related conditions. This variant is not present in population databases (gnomAD no frequency). This sequence change replaces methionine, which is neutral and non-polar, with isoleucine, which is neutral and non-polar, at codon 367 of the SCN8A protein (p.Met367Ile).